The following is an entry in ClinVar:

ClinVar aggregate classification (germline): Uncertain significance (1 of 4 stars; one submission).

Conditions:
Hereditary cancer-predisposing syndrome. Also called: Hereditary Cancer Syndrome; Hereditary neoplastic syndrome; Tumor predisposition; Neoplastic Syndromes, Hereditary. Identifiers: Orphanet 140162, MedGen C0027672, MeSH D009386, MONDO:0015356.
Cardiovascular phenotype. Identifiers: MedGen CN230736.

gnomAD v4.1: 6 of 1,613,954 alleles (0.00037%); highest among the groups gnomAD compares: Non-Finnish European, 0.00051%; no homozygotes.

Submission:

Ambry Genetics
Classification: Uncertain significance for Cardiovascular phenotype; Hereditary cancer-predisposing syndrome. Last evaluated: 2024-10-15. Review status: criteria provided, single submitter. Criteria: Ambry Variant Classification Scheme 2023. Collection method: clinical testing. Allele origin: germline.
Comment: The p.R355L variant (also known as c.1064G>T), located in coding exon 10 of the LZTR1 gene, results from a G to T substitution at nucleotide position 1064. The arginine at codon 355 is replaced by leucine, an amino acid with dissimilar properties. This amino acid position is conserved. In addition, the in silico prediction for this alteration is inconclusive. Based on the available evidence, the clinical significance of this variant remains unclear.

NM_006767.4(LZTR1):c.1064G>T (p.Arg355Leu)

Gene: LZTR1 (leucine zipper like post translational regulator 1; plus strand). Cytogenetic location: 22q11.21.
Variant type: single nucleotide variant.
Coding change: c.1064G>T on transcript NM_006767.4 (MANE Select); coding-DNA position 1064, G replaced by T.
Protein change: p.Arg355Leu; replaces arginine 355 with leucine.
Molecular consequence: missense variant.
Genome position (GRCh38, 1-based): chr22:20,992,284, G>T. VCF-style: chr22-20992284-G-T. GRCh37 (hg19) VCF-style: chr22-21346573-G-T.
Other names: short protein forms R355L.
Identifiers: ClinVar variation 3541541 (VCV003541541.1).